The following is an entry in ClinVar:

ClinVar aggregate classification (germline): Uncertain significance. Review status: criteria provided, multiple submitters, no conflicts (2 of 4 stars). 3 submissions from 3 submitters: Uncertain significance (3). Last evaluated 2024-09-24.

Conditions:
Hereditary cancer-predisposing syndrome. Also called: Hereditary neoplastic syndrome; Tumor predisposition; Neoplastic Syndromes, Hereditary; Hereditary Cancer Syndrome. Identifiers: Orphanet 140162, MedGen C0027672, MeSH D009386, MONDO:0015356.
Tuberous sclerosis syndrome (TSC). Also called: Tuberous Sclerosis Complex; Tuberous sclerosis. Identifiers: Orphanet 805, MedGen C0041341, MONDO:0001734.
Tuberous sclerosis 2 (TSC2). Identifiers: Orphanet 805, MedGen C1860707, MONDO:0013199, OMIM 613254.

Submissions (3):

Ambry Genetics
Classification: Uncertain significance for Hereditary cancer-predisposing syndrome. Last evaluated: 2024-09-24. Review status: criteria provided, single submitter. Criteria: Ambry Variant Classification Scheme 2023. Collection method: clinical testing. Allele origin: germline.
Comment: The p.S1728R variant (also known as c.5184C>G), located in coding exon 40 of the TSC2 gene, results from a C to G substitution at nucleotide position 5184. The serine at codon 1728 is replaced by arginine, an amino acid with dissimilar properties. This amino acid position is not well conserved in available vertebrate species. In addition, the in silico prediction for this alteration is inconclusive. Based on the available evidence, the clinical significance of this variant remains unclear.

All of Us Research Program, National Institutes of Health
Classification: Uncertain significance for Tuberous sclerosis syndrome. Last evaluated: 2023-12-01. Review status: criteria provided, single submitter. Criteria: ACMG Guidelines, 2015. Collection method: clinical testing. Allele origin: germline. Inheritance: Autosomal dominant inheritance. Observed: 2 variant alleles, 2 heterozygotes.
Comment: This study involves interpretation of variants in research participants for the purpose of population health screening. Participant phenotype was not available at the time of variant classification. Additional details can be found in publication PMID: 35346344, PMCID: PMC8962531

Labcorp Genetics (formerly Invitae), Labcorp
Classification: Uncertain significance for Tuberous sclerosis 2. Last evaluated: 2020-12-12. Review status: criteria provided, single submitter. Criteria: Invitae Variant Classification Sherloc (09022015). Collection method: clinical testing. Allele origin: germline.
Comment: In summary, the available evidence is currently insufficient to determine the role of this variant in disease. Therefore, it has been classified as a Variant of Uncertain Significance. Advanced modeling of protein sequence and biophysical properties (such as structural, functional, and spatial information, amino acid conservation, physicochemical variation, residue mobility, and thermodynamic stability) performed at Invitae indicates that this missense variant is not expected to disrupt TSC2 protein function. This variant has not been reported in the literature in individuals with TSC2-related conditions. This variant is not present in population databases (ExAC no frequency). This sequence change replaces serine with arginine at codon 1728 of the TSC2 protein (p.Ser1728Arg). The serine residue is moderately conserved and there is a moderate physicochemical difference between serine and arginine.

NM_000548.5(TSC2):c.5184C>G (p.Ser1728Arg)

Gene: TSC2 (TSC complex subunit 2; plus strand). Cytogenetic location: 16p13.3.
Variant type: single nucleotide variant.
Coding change: c.5184C>G on transcript NM_000548.5 (MANE Select); coding-DNA position 5184, C replaced by G.
Protein change: p.Ser1728Arg; replaces serine 1728 with arginine.
Molecular consequence: missense variant.
Genome position (GRCh38, 1-based): chr16:2,088,250, C>G. VCF-style: chr16-2088250-C-G. GRCh37 (hg19) VCF-style: chr16-2138251-C-G.
Other names: c.4983C>G, p.Ser1661Arg (NM_001077183.3); c.5115C>G, p.Ser1705Arg (NM_001114382.3); c.4875C>G, p.Ser1625Arg (NM_001318827.2); c.4839C>G, p.Ser1613Arg (NM_001318829.2); c.4452C>G, p.Ser1484Arg (NM_001318831.2); c.5016C>G, p.Ser1672Arg (NM_001318832.2); c.4986C>G, p.Ser1662Arg (NM_001363528.2); c.5052C>G, p.Ser1684Arg (NM_001370404.1); and 2 more; short protein forms S1681R, S1705R, S1484R, S1625R, S1662R, S1613R, S1672R, S1684R.
Identifiers: ClinVar variation 1477932 (VCV001477932.12), dbSNP rs397514955, ClinGen allele CA394314115.